The following is an entry in ClinVar:

ClinVar aggregate classification (germline): Pathogenic (1 of 4 stars; one submission).

Conditions:
Familial temporal lobe epilepsy 7. Identifiers: Orphanet 101046, MedGen C4225327, MONDO:0014639, OMIM 616436.
Norman-Roberts syndrome (LIS2). Also called: Lissencephaly 2 (Norman-Roberts type). Identifiers: Orphanet 89844, MedGen C0796089, MONDO:0009760, OMIM 257320.

Allele frequency attached by ClinVar (database versions not stated): gnomAD exomes 0.00001.
gnomAD v4.1: 8 of 1,613,956 alleles (0.0005%); highest among the groups gnomAD compares: East Asian, 0.0022%; no homozygotes.

Submission:

Labcorp Genetics (formerly Invitae), Labcorp
Classification: Pathogenic for Familial temporal lobe epilepsy 7; Norman-Roberts syndrome. Last evaluated: 2022-09-14. Review status: criteria provided, single submitter. Criteria: Invitae Variant Classification Sherloc (09022015). Collection method: clinical testing. Allele origin: germline.
Comment: ClinVar contains an entry for this variant (Variation ID: 1074036). This variant has not been reported in the literature in individuals affected with RELN-related conditions. This variant is not present in population databases (gnomAD no frequency). This sequence change creates a premature translational stop signal (p.Arg1291*) in the RELN gene. It is expected to result in an absent or disrupted protein product. Loss-of-function variants in RELN are known to be pathogenic (PMID: 10973257, 26046367, 28454995). For these reasons, this variant has been classified as Pathogenic.

Literature cited by the submitters: PubMed 10973257; PubMed 26046367; PubMed 28454995.

NM_005045.4(RELN):c.3871C>T (p.Arg1291Ter)

Gene: RELN (reelin; minus strand). Cytogenetic location: 7q22.1.
Variant type: single nucleotide variant.
Coding change: c.3871C>T on transcript NM_005045.4 (MANE Select); coding-DNA position 3871, C replaced by T.
Protein change: p.Arg1291Ter; replaces arginine 1291 with a stop codon.
Molecular consequence: nonsense.
Genome position (GRCh38, 1-based): chr7:103,593,723, G>A on the plus strand (C>T on the coding strand, the complement: RELN is on the minus strand). VCF-style: chr7-103593723-G-A. GRCh37 (hg19) VCF-style: chr7-103234170-G-A.
Other names: c.3871C>T, p.Arg1291Ter (NM_173054.3); short protein forms R1291*.
Identifiers: ClinVar variation 1074036 (VCV001074036.7), dbSNP rs2117248586, ClinGen allele CA368757023.